The following is an entry in ClinVar:

NM_015662.3(IFT172):c.3146A>C (p.Glu1049Ala)

Gene: IFT172 (intraflagellar transport 172; minus strand). Cytogenetic location: 2p23.3.
Variant type: single nucleotide variant.
Coding change: c.3146A>C on transcript NM_015662.3 (MANE Select); coding-DNA position 3146, A replaced by C.
Protein change: p.Glu1049Ala; replaces glutamic acid 1049 with alanine.
Molecular consequence: missense variant.
Genome position (GRCh38, 1-based): chr2:27,457,721, T>G on the plus strand (A>C on the coding strand, the complement: IFT172 is on the minus strand). VCF-style: chr2-27457721-T-G. GRCh37 (hg19) VCF-style: chr2-27680588-T-G.
Other names: c.3146A>C (NM_015662.1, NM_015662.2); short protein forms E1049A.
Identifiers: ClinVar variation 1411653 (VCV001411653.11), dbSNP rs138139922, ClinGen allele CA1580070.

ClinVar aggregate classification (germline): Uncertain significance. Review status: criteria provided, multiple submitters, no conflicts (2 of 4 stars). 7 submissions from 7 submitters: Uncertain significance (7). Last evaluated 2026-07-06.

Conditions:
Bardet-Biedl syndrome 20. Identifiers: MedGen C4310707, MONDO:0023670, OMIM 619471, MONDO:0014926.
Short-rib thoracic dysplasia 10 with or without polydactyly (SRTD10). Identifiers: Orphanet 474, MedGen C3810175, MONDO:0014284, OMIM 615630.
Retinitis pigmentosa 71 (RP71). Identifiers: Orphanet 791, MedGen C4225342, MONDO:0014618, OMIM 616394.
IFT172-related disorder. Also called: IFT172-related disorders; IFT172-related condition.
Inborn genetic diseases. Identifiers: MedGen C0950123, MeSH D030342.

Allele frequency attached by ClinVar (database versions not stated): gnomAD exomes 0.00002 and 0.00003; ESP Exome Variant Server 0.00008; TOPMed 0.00001; ExAC 0.00002; gnomAD 0.00002.
gnomAD v4.1: 44 of 1,614,016 alleles (0.0027%); highest among the groups gnomAD compares: Middle Eastern, 0.016%; no homozygotes.

Submissions (7):

PreventionGenetics, part of Exact Sciences
Classification: Uncertain significance for IFT172-related condition. Last evaluated: 2026-07-06. Review status: criteria provided, single submitter. Criteria: ACMG Guidelines, 2015. Collection method: clinical testing. Allele origin: germline.
Comment: The IFT172 c.3146A>C variant is predicted to result in the amino acid substitution p.Glu1049Ala. To our knowledge, this variant has not been reported in the literature in association with IFT172-related disease. This variant is reported in 0.0035% of alleles in individuals of European (Non-Finnish) descent in gnomAD. At this time, the clinical significance of this variant is uncertain due to the absence of conclusive functional and genetic evidence.

GeneDx
Classification: Uncertain significance. Last evaluated: 2024-02-01. Review status: criteria provided, single submitter. Criteria: GeneDx Variant Classification Process June 2021. Collection method: clinical testing. Allele origin: germline. Affected: yes.
Comment: Not observed at significant frequency in large population cohorts (gnomAD); In silico analysis supports that this missense variant has a deleterious effect on protein structure/function; This variant is associated with the following publications: (PMID: 33574475)

Labcorp Genetics (formerly Invitae), Labcorp
Classification: Uncertain significance for Retinitis pigmentosa 71; Short-rib thoracic dysplasia 10 with or without polydactyly. Last evaluated: 2022-10-25. Review status: criteria provided, single submitter. Criteria: Invitae Variant Classification Sherloc (09022015). Collection method: clinical testing. Allele origin: germline.
Comment: This sequence change replaces glutamic acid, which is acidic and polar, with alanine, which is neutral and non-polar, at codon 1049 of the IFT172 protein (p.Glu1049Ala). This variant is present in population databases (rs138139922, gnomAD 0.004%). This variant has not been reported in the literature in individuals affected with IFT172-related conditions. ClinVar contains an entry for this variant (Variation ID: 1411653). Advanced modeling of protein sequence and biophysical properties (such as structural, functional, and spatial information, amino acid conservation, physicochemical variation, residue mobility, and thermodynamic stability) performed at Invitae indicates that this missense variant is expected to disrupt IFT172 protein function. In summary, the available evidence is currently insufficient to determine the role of this variant in disease. Therefore, it has been classified as a Variant of Uncertain Significance.

Ambry Genetics
Classification: Uncertain significance for Inborn genetic diseases. Last evaluated: 2022-05-10. Review status: criteria provided, single submitter. Criteria: Ambry Variant Classification Scheme 2023. Collection method: clinical testing. Allele origin: germline.

Blueprint Genetics
Classification: Uncertain significance. Last evaluated: 2022-05-04. Review status: criteria provided, single submitter. Criteria: ACMG Guidelines, 2015. Collection method: clinical testing. Allele origin: germline.

Fulgent Genetics
Classification: Uncertain significance for Short-rib thoracic dysplasia 10 with or without polydactyly; Retinitis pigmentosa 71; Bardet-Biedl syndrome 20. Last evaluated: 2022-02-17. Review status: criteria provided, single submitter. Criteria: ACMG Guidelines, 2015. Collection method: clinical testing. Allele origin: unknown.

Breakthrough Genomics
Classification: Uncertain significance. Review status: criteria provided, single submitter. Criteria: ACMG Guidelines, 2015. Collection method: not provided. Allele origin: germline. Inheritance: Autosomal recessive inheritance. Affected: yes.